The following is an entry in ClinVar:

ClinVar aggregate classification (germline): Pathogenic (1 of 4 stars; one submission).

Conditions:
Familial adenomatous polyposis 1 (FAP1). Also called: POLYPOSIS, ADENOMATOUS INTESTINAL; FAMILIAL ADENOMATOUS POLYPOSIS 1, ATTENUATED. Identifiers: MedGen C2713442, MONDO:0021056, OMIM 175100. Disease mechanism: loss of function.

Submission:

Myriad Genetics, Inc.
Classification: Pathogenic for Familial adenomatous polyposis 1. Last evaluated: 2023-05-08. Review status: criteria provided, single submitter. Criteria: Myriad Autosomal Dominant, Autosomal Recessive and X-Linked Classification Criteria (2023). Collection method: clinical testing. Allele origin: unknown.
Comment: This variant is considered pathogenic. This variant creates a frameshift predicted to result in premature protein truncation.

NM_000038.6(APC):c.3225del (p.Pro1076fs)

Gene: APC (APC regulator of Wnt signaling pathway; plus strand). Cytogenetic location: 5q22.2.
Variant type: Deletion.
Coding change: c.3225del on transcript NM_000038.6 (MANE Select); coding-DNA position 3225, one base deleted (T; older notation c.3225delT).
Protein change: p.Pro1076fs; shifts the reading frame from proline 1076.
Molecular consequence: frameshift variant. On other transcripts: non-coding transcript variant (2).
Genome position (GRCh38, 1-based): chr5:112,838,819, T deleted. VCF-style (leftmost placement, unchanged base first): chr5-112838818-AT-A. GRCh37 (hg19) VCF-style: chr5-112174515-AT-A.
Other names: c.3225del, p.Pro1076fs (NM_001127510.3, NM_001354895.2, NM_001407450.1); c.3171del, p.Pro1058fs (NM_001127511.3); c.3279del, p.Pro1094fs (NM_001354896.2, NM_001407447.1, NM_001407448.1 and 1 more transcripts); c.3255del, p.Pro1086fs (NM_001354897.2); c.3150del, p.Pro1051fs (NM_001354898.2); c.3141del, p.Pro1048fs (NM_001354899.2); c.3102del, p.Pro1035fs (NM_001354900.2); c.3048del, p.Pro1017fs (NM_001354901.2, NM_001407453.1); and 11 more; short protein forms P1017fs, P1035fs, P1048fs, P1051fs, P1058fs, P1066fs, P1069fs, P1076fs.
Identifiers: ClinVar variation 2583738 (VCV002583738.1), dbSNP rs2533481504, ClinGen allele CA501160.